The following is an entry in ClinVar:

NM_000122.2(ERCC3):c.217T>G (p.Ser73Ala)

Gene: ERCC3 (ERCC excision repair 3, TFIIH core complex helicase subunit; minus strand). Cytogenetic location: 2q14.3.
Variant type: single nucleotide variant.
Coding change: c.217T>G on transcript NM_000122.2 (MANE Select); coding-DNA position 217, T replaced by G.
Protein change: p.Ser73Ala; replaces serine 73 with alanine.
Molecular consequence: missense variant.
Genome position (GRCh38, 1-based): chr2:127,293,530, A>C on the plus strand (T>G on the coding strand, the complement: ERCC3 is on the minus strand). VCF-style: chr2-127293530-A-C. GRCh37 (hg19) VCF-style: chr2-128051106-A-C.
Other names: c.25T>G, p.Ser9Ala (NM_001303416.2, NM_001303418.2); short protein forms S73A, S9A.
Identifiers: ClinVar variation 1518027 (VCV001518027.8), dbSNP rs2104782786, ClinGen allele CA348392014.

ClinVar aggregate classification (germline): Uncertain significance (1 of 4 stars; one submission).

Allele frequency attached by ClinVar (database versions not stated): gnomAD exomes below 0.00001.
gnomAD v4.1: 1 of 1,613,996 alleles (0.000062%); highest among the groups gnomAD compares: Non-Finnish European, 0.000085%; no homozygotes.

Submission:

Labcorp Genetics (formerly Invitae), Labcorp
Classification: Uncertain significance. Last evaluated: 2022-08-16. Review status: criteria provided, single submitter. Criteria: Invitae Variant Classification Sherloc (09022015). Collection method: clinical testing. Allele origin: germline.
Comment: This variant has not been reported in the literature in individuals affected with ERCC3-related conditions. In summary, the available evidence is currently insufficient to determine the role of this variant in disease. Therefore, it has been classified as a Variant of Uncertain Significance. Algorithms developed to predict the effect of missense changes on protein structure and function (SIFT, PolyPhen-2, Align-GVGD) all suggest that this variant is likely to be tolerated. ClinVar contains an entry for this variant (Variation ID: 1518027). This variant is not present in population databases (gnomAD no frequency). This sequence change replaces serine, which is neutral and polar, with alanine, which is neutral and non-polar, at codon 73 of the ERCC3 protein (p.Ser73Ala).